The following is an entry in ClinVar:

ClinVar aggregate classification (germline): Uncertain significance. Review status: criteria provided, multiple submitters, no conflicts (2 of 4 stars). 2 submissions from 2 submitters: Uncertain significance (2). Last evaluated 2024-03-01.

Allele frequency attached by ClinVar (database versions not stated): gnomAD exomes 0.00002; gnomAD 0.00004; TOPMed 0.00006; ExAC 0.00007; ESP Exome Variant Server 0.00015.
gnomAD v4.1: 43 of 1,613,528 alleles (0.0027%); highest among the groups gnomAD compares: Admixed American, 0.017%; no homozygotes.

Submissions (2):

CeGaT Center for Human Genetics Tuebingen
Classification: Uncertain significance. Last evaluated: 2024-03-01. Review status: criteria provided, single submitter. Criteria: CeGaT Center For Human Genetics Tuebingen Variant Classification Criteria Version 2. Collection method: clinical testing. Allele origin: germline. Affected: yes. Observed: 1 variant allele.
Comment: SFTPB: PM2, BP4

Labcorp Genetics (formerly Invitae), Labcorp
Classification: Uncertain significance. Last evaluated: 2023-04-12. Review status: criteria provided, single submitter. Criteria: Invitae Variant Classification Sherloc (09022015). Collection method: clinical testing. Allele origin: germline.
Comment: This sequence change replaces phenylalanine, which is neutral and non-polar, with leucine, which is neutral and non-polar, at codon 132 of the SFTPB protein (p.Phe132Leu). In summary, the available evidence is currently insufficient to determine the role of this variant in disease. Therefore, it has been classified as a Variant of Uncertain Significance. This variant is present in population databases (rs138729391, gnomAD 0.02%). This missense change has been observed in individual(s) with respiratory distress syndrome (PMID: 29255193). Advanced modeling of protein sequence and biophysical properties (such as structural, functional, and spatial information, amino acid conservation, physicochemical variation, residue mobility, and thermodynamic stability) performed at Invitae indicates that this missense variant is not expected to disrupt SFTPB protein function.

Literature cited by the submitters: PubMed 29255193 (cited by Labcorp Genetics (formerly Invitae), Labcorp).

NM_000542.5(SFTPB):c.358T>C (p.Phe120Leu)

Gene: SFTPB (surfactant protein B; minus strand). Cytogenetic location: 2p11.2.
Variant type: single nucleotide variant.
Coding change: c.358T>C on transcript NM_000542.5 (MANE Select); coding-DNA position 358, T replaced by C.
Protein change: p.Phe120Leu; replaces phenylalanine 120 with leucine.
Molecular consequence: missense variant.
Genome position (GRCh38, 1-based): chr2:85,666,652, A>G on the plus strand (T>C on the coding strand, the complement: SFTPB is on the minus strand). VCF-style: chr2-85666652-A-G. GRCh37 (hg19) VCF-style: chr2-85893775-A-G.
Other names: c.358T>C, p.Phe120Leu (NM_001367281.2, NM_198843.4); short protein forms F120L.
Identifiers: ClinVar variation 2960343 (VCV002960343.24), dbSNP rs138729391, ClinGen allele CA1744088.